The following is an entry in ClinVar:

ClinVar aggregate classification (germline): Uncertain significance. Review status: criteria provided, multiple submitters, no conflicts (2 of 4 stars). 3 submissions from 3 submitters: Uncertain significance (3). Last evaluated 2024-12-16.

Conditions:
Acrocallosal syndrome (ACLS). Also called: Schinzel syndrome 1; Absence of corpus callosum with unusual facial appearance, mental deficiency, duplication of the halluces and polydactyly; HALLUX DUPLICATION, POSTAXIAL POLYDACTYLY, AND ABSENCE OF CORPUS CALLOSUM. Identifiers: Orphanet 36, MedGen C0796147, MONDO:0008708, OMIM 200990.
Multiple epiphyseal dysplasia, Al-Gazali type. Also called: Macrocephaly with multiple epiphyseal dysplasia and distinctive facies. Identifiers: Orphanet 166024, MedGen C1846722, MONDO:0011778, OMIM 607131.
Hydrolethalus syndrome 2 (HLS2). Identifiers: Orphanet 2189, MedGen C3279899, MONDO:0013585, OMIM 614120.

Allele frequency attached by ClinVar (database versions not stated): gnomAD 0.00001; TOPMed 0.00001.

Submissions (4):

Labcorp Genetics (formerly Invitae), Labcorp
Classification: Uncertain significance for Acrocallosal syndrome. Last evaluated: 2024-12-16. Review status: criteria provided, single submitter. Criteria: Invitae Variant Classification Sherloc (09022015). Collection method: clinical testing. Allele origin: germline.
Comment: This sequence change replaces arginine, which is basic and polar, with glutamine, which is neutral and polar, at codon 1068 of the KIF7 protein (p.Arg1068Gln). This variant is present in population databases (rs767837351, gnomAD 0.006%). This variant has not been reported in the literature in individuals affected with KIF7-related conditions. ClinVar contains an entry for this variant (Variation ID: 1392520). Invitae Evidence Modeling of protein sequence and biophysical properties (such as structural, functional, and spatial information, amino acid conservation, physicochemical variation, residue mobility, and thermodynamic stability) indicates that this missense variant is not expected to disrupt KIF7 protein function with a negative predictive value of 80%. In summary, the available evidence is currently insufficient to determine the role of this variant in disease. Therefore, it has been classified as a Variant of Uncertain Significance.

GeneDx
Classification: Uncertain significance. Last evaluated: 2024-07-30. Review status: criteria provided, single submitter. Criteria: GeneDx Variant Classification Process June 2021. Collection method: clinical testing. Allele origin: germline. Affected: yes.
Comment: Not observed at a significant frequency in large population cohorts (gnomAD); In silico analysis suggests this variant may impact gene splicing. In the absence of RNA/functional studies, the actual effect of this sequence change is unknown.; In silico analysis indicates that this missense variant does not alter protein structure/function; Has not been previously published as pathogenic or benign to our knowledge

Fulgent Genetics
Classification: Uncertain significance for Acrocallosal syndrome; Multiple epiphyseal dysplasia, Al-Gazali type; Hydrolethalus syndrome 2. Last evaluated: 2023-12-24. Review status: criteria provided, single submitter. Criteria: ACMG Guidelines, 2015. Collection method: clinical testing. Allele origin: germline.

Dr. Peter K. Rogan Lab, Western University
No classification provided (evidence only). Condition: Ovarian serous cystadenocarcinoma. Review status: no classification provided. Collection method: in vitro. Allele origin: not applicable. Functional consequence: retained intron. Not counted in ClinVar's aggregate classification.

NM_198525.3(KIF7):c.3203G>A (p.Arg1068Gln)

Gene: KIF7 (kinesin family member 7; minus strand). Cytogenetic location: 15q26.1.
Variant type: single nucleotide variant.
Coding change: c.3203G>A on transcript NM_198525.3 (MANE Select); coding-DNA position 3203, G replaced by A.
Protein change: p.Arg1068Gln; replaces arginine 1068 with glutamine.
Molecular consequence: missense variant.
Genome position (GRCh38, 1-based): chr15:89,630,402, C>T on the plus strand (G>A on the coding strand, the complement: KIF7 is on the minus strand). VCF-style: chr15-89630402-C-T. GRCh37 (hg19) VCF-style: chr15-90173633-C-T.
Other names: c.3203G>A (NM_198525.2); short protein forms R1068Q.
Identifiers: ClinVar variation 1392520 (VCV001392520.8), dbSNP rs767837351, ClinGen allele CA7727796.